The following is an entry in ClinVar:

NM_007078.3(LDB3):c.1972G>A (p.Glu658Lys)

Gene: LDB3 (LIM domain binding 3; plus strand). Cytogenetic location: 10q23.2.
Variant type: single nucleotide variant.
Coding change: c.1972G>A on transcript NM_007078.3 (MANE Select); coding-DNA position 1972, G replaced by A.
Protein change: p.Glu658Lys; replaces glutamic acid 658 with lysine.
Molecular consequence: missense variant.
Genome position (GRCh38, 1-based): chr10:86,718,841, G>A. VCF-style: chr10-86718841-G-A. GRCh37 (hg19) VCF-style: chr10-88478598-G-A.
Other names: c.1972G>A (LRG_385t1); c.1642G>A, p.Glu548Lys (NM_001080114.2); c.1987G>A, p.Glu663Lys (NM_001171610.2); c.1783G>A, p.Glu595Lys (NM_001368064.1, NM_001368065.1); c.1831G>A, p.Glu611Lys (NM_001368066.1); short protein forms E658K, E595K, E663K, E548K, E611K.
Identifiers: ClinVar variation 582501 (VCV000582501.15), dbSNP rs760563152, ClinGen allele CA5585275.

ClinVar aggregate classification (germline): Uncertain significance. Review status: criteria provided, multiple submitters, no conflicts (2 of 4 stars). 3 submissions from 3 submitters: Uncertain significance (3). Last evaluated 2026-09-24.

Conditions:
Myofibrillar myopathy 4. Also called: Zaspopathy (type). Identifiers: Orphanet 98912, MedGen C4721886, MONDO:0012277, OMIM 609452.
Cardiovascular phenotype. Identifiers: MedGen CN230736.

Allele frequency attached by ClinVar (database versions not stated): gnomAD 0.00004 and 0.00005; gnomAD exomes 0.00004 and 0.00006; ExAC 0.00003; TOPMed 0.00005.
gnomAD v4.1: 96 of 1,613,958 alleles (0.0059%); highest among the groups gnomAD compares: South Asian, 0.0077%; no homozygotes.

Submissions (3):

GeneDx
Classification: Uncertain significance. Last evaluated: 2026-09-24. Review status: criteria provided, single submitter. Criteria: GeneDx Variant Classification Process June 2021. Collection method: clinical testing. Allele origin: germline.
Comment: Has not been previously published as pathogenic or benign to our knowledge; In silico analysis supports that this missense variant has a deleterious effect on protein structure/function; Reported using an alternate transcript of the gene

Labcorp Genetics (formerly Invitae), Labcorp
Classification: Uncertain significance for Myofibrillar myopathy 4. Last evaluated: 2025-12-01. Review status: criteria provided, single submitter. Criteria: Invitae Variant Classification Sherloc (09022015). Collection method: clinical testing. Allele origin: germline.
Comment: The LDB3 gene has multiple clinically relevant transcripts. This variant occurs in alternate transcript NM_007078.3, and corresponds to NM_001080116.1:c.*19467G>A in the primary transcript. This sequence change replaces glutamic acid, which is acidic and polar, with lysine, which is basic and polar, at codon 658 of the LDB3 protein (p.Glu658Lys). This variant is present in population databases (rs760563152, gnomAD 0.01%). This variant has not been reported in the literature in individuals affected with LDB3-related conditions. Experimental studies and prediction algorithms are not available or were not evaluated, and the functional significance of this variant is currently unknown. In summary, the available evidence is currently insufficient to determine the role of this variant in disease. Therefore, it has been classified as a Variant of Uncertain Significance.

Ambry Genetics
Classification: Uncertain significance for Cardiovascular phenotype. Last evaluated: 2025-08-14. Review status: criteria provided, single submitter. Criteria: Ambry Variant Classification Scheme 2023. Collection method: clinical testing. Allele origin: germline.
Comment: The p.E658K variant (also known as c.1972G>A), located in coding exon 11 of the LDB3 gene, results from a G to A substitution at nucleotide position 1972. The glutamic acid at codon 658 is replaced by lysine, an amino acid with similar properties. This amino acid position is highly conserved in available vertebrate species. In addition, this alteration is predicted to be deleterious by in silico analysis. Based on the available evidence, the clinical significance of this variant remains unclear.